The following is an entry in ClinVar:

ClinVar aggregate classification (germline): Uncertain significance (1 of 4 stars; one submission).

Conditions:
Inborn genetic diseases. Identifiers: MedGen C0950123, MeSH D030342.

gnomAD v4.1: 1 of 1,605,834 alleles (0.000062%); highest among the groups gnomAD compares: Non-Finnish European, 0.000085%; no homozygotes.

Submission:

Ambry Genetics
Classification: Uncertain significance for Inborn genetic diseases. Last evaluated: 2025-10-21. Review status: criteria provided, single submitter. Criteria: Ambry Variant Classification Scheme 2023. Collection method: clinical testing. Allele origin: germline.
Comment: The p.P1027T variant (also known as c.3079C>A), located in coding exon 30 of the RTEL1 gene, results from a C to A substitution at nucleotide position 3079. The proline at codon 1027 is replaced by threonine, an amino acid with highly similar properties. This amino acid position is conserved. In addition, this alteration is predicted to be tolerated by in silico analysis. Based on the available evidence, the clinical significance of this variant remains unclear.

NM_001283009.2(RTEL1):c.3079C>A (p.Pro1027Thr)

Genes: RTEL1 (regulator of telomere elongation helicase 1; plus strand), RTEL1-TNFRSF6B (RTEL1-TNFRSF6B readthrough (NMD candidate); plus strand). Cytogenetic location: 20q13.33.
Variant type: single nucleotide variant.
Coding change: c.3079C>A on transcript NM_001283009.2 (MANE Select); coding-DNA position 3079, C replaced by A.
Protein change: p.Pro1027Thr; replaces proline 1027 with threonine.
Molecular consequence: missense variant. On other transcripts: non-coding transcript variant (1).
Genome position (GRCh38, 1-based): chr20:63,694,458, C>A. VCF-style: chr20-63694458-C-A. GRCh37 (hg19) VCF-style: chr20-62325811-C-A.
Other names: c.2410C>A, p.Pro804Thr (NM_001283010.1); c.3079C>A, p.Pro1027Thr (NM_016434.4); c.3151C>A, p.Pro1051Thr (NM_032957.5); short protein forms P1027T, P1051T, P804T.
Identifiers: ClinVar variation 4629551 (VCV004629551.1).